The following is an entry in ClinVar:

NM_006648.4(WNK2):c.6424C>G (p.Leu2142Val)

Gene: WNK2 (WNK lysine deficient protein kinase 2; plus strand). Cytogenetic location: 9q22.31.
Variant type: single nucleotide variant.
Coding change: c.6424C>G on transcript NM_006648.4 (MANE Select); coding-DNA position 6424, C replaced by G.
Protein change: p.Leu2142Val; replaces leucine 2142 with valine.
Molecular consequence: missense variant.
Genome position (GRCh38, 1-based): chr9:93,308,492, C>G. VCF-style: chr9-93308492-C-G. GRCh37 (hg19) VCF-style: chr9-96070774-C-G.
Other names: NC_000009.11:g.96070774C>G; c.6424C>G (NM_006648.3); c.6535C>G, p.Leu2179Val (NM_001282394.3); short protein forms L2142V, L2179V.
Identifiers: ClinVar variation 4358538 (VCV004358538.2).
Genomic context (GRCh38, chr9:93,308,492, plus strand): 5'-ACGGACGACCTGCACAAGCTGGTGGACGAGTGGACGAGCAAGACGGTGGGGGCCGCGCAG[C>G]TGAAGCCCACGCTCAACCAGCTGAAGCAGACCCAGAAGCTGCAAGACATGGAGGCCCAGG-3'
Protein context (NP_006639.3, residues 2132-2152): WTSKTVGAAQ[Leu2142Val]KPTLNQLKQT

ClinVar aggregate classification (germline): Uncertain significance (1 of 4 stars; one submission).

Submissions (2):

Ambry Genetics
Classification: Uncertain significance. Last evaluated: 2026-06-02. Review status: criteria provided, single submitter. Criteria: Ambry Variant Classification Scheme 2023. Collection method: clinical testing. Allele origin: germline.
Comment: The p.L2142V variant (also known as c.6424C>G), located in coding exon 27 of the WNK2 gene, results from a C to G substitution at nucleotide position 6424. The leucine at codon 2142 is replaced by valine, an amino acid with highly similar properties. This amino acid position is conserved. In addition, this alteration is predicted to be tolerated by in silico analysis. Based on the available evidence, the clinical significance of this variant remains unclear.

Dr. Peter K. Rogan Lab, Western University
No classification provided (evidence only). Condition: Nonpapillary renal cell carcinoma. Review status: no classification provided. Collection method: in vitro. Allele origin: not applicable. Functional consequence: retained intron. Not counted in ClinVar's aggregate classification.